The following is an entry in ClinVar:

NM_001999.4(FBN2):c.5606A>G (p.Asn1869Ser)

Gene: FBN2 (fibrillin 2; minus strand). Cytogenetic location: 5q23.3.
Variant type: single nucleotide variant.
Coding change: c.5606A>G on transcript NM_001999.4 (MANE Select); coding-DNA position 5606, A replaced by G.
Protein change: p.Asn1869Ser; replaces asparagine 1869 with serine.
Molecular consequence: missense variant.
Genome position (GRCh38, 1-based): chr5:128,305,579, T>C on the plus strand (A>G on the coding strand, the complement: FBN2 is on the minus strand). VCF-style: chr5-128305579-T-C. GRCh37 (hg19) VCF-style: chr5-127641271-T-C.
Other names: short protein forms N1869S.
Identifiers: ClinVar variation 967902 (VCV000967902.10), dbSNP rs1749845932, ClinGen allele CA360740452.
Genomic context (GRCh38, chr5:128,305,579, plus strand): 5'-GCCCCATTGGGTGAAAGTTTGAAACCCGCGGCACATTCACAGCGGTAACTACCAGGACTA[T>C]TGATGCAGTCTGCATTCCGCTGGCAGAGATTATCACCATTGCTGCACTCATCTATATCTG-3'
Protein context (NP_001990.2, residues 1859-1879): NLCQRNADCI[Asn1869Ser]SPGSYRCECA

ClinVar aggregate classification (germline): Uncertain significance (1 of 4 stars; one submission).

Conditions:
Congenital contractural arachnodactyly (CCA). Also called: BEALS SYNDROME; Arthrogryposis, distal, type 9; Beals-Hecht syndrome. Identifiers: Orphanet 115, MedGen C0220668, MONDO:0007363, OMIM 121050.

Allele frequency attached by ClinVar (database versions not stated): gnomAD exomes below 0.00001; TOPMed below 0.00001.
gnomAD v4.1: 2 of 1,614,032 alleles (0.00012%); highest among the groups gnomAD compares: Non-Finnish European, 0.00017%; no homozygotes.

Submission:

Labcorp Genetics (formerly Invitae), Labcorp
Classification: Uncertain significance for Congenital contractural arachnodactyly. Last evaluated: 2025-11-03. Review status: criteria provided, single submitter. Criteria: Invitae Variant Classification Sherloc (09022015). Collection method: clinical testing. Allele origin: germline.
Comment: This sequence change replaces asparagine, which is neutral and polar, with serine, which is neutral and polar, at codon 1869 of the FBN2 protein (p.Asn1869Ser). This variant is not present in population databases (gnomAD no frequency). This variant has not been reported in the literature in individuals affected with FBN2-related conditions. ClinVar contains an entry for this variant (Variation ID: 967902). Invitae Evidence Modeling of protein sequence and biophysical properties (such as structural, functional, and spatial information, amino acid conservation, physicochemical variation, residue mobility, and thermodynamic stability) indicates that this missense variant is expected to disrupt FBN2 protein function with a positive predictive value of 80%. In summary, the available evidence is currently insufficient to determine the role of this variant in disease. Therefore, it has been classified as a Variant of Uncertain Significance.